The following is an entry in ClinVar:

NM_080632.3(UPF3B):c.264-34G>A

Gene: UPF3B (UPF3B regulator of nonsense mediated mRNA decay; minus strand). Cytogenetic location: Xq24.
Variant type: single nucleotide variant.
Coding change: c.264-34G>A on transcript NM_080632.3 (MANE Select); 34 bases into the intron before coding-DNA position 264, G replaced by A.
Molecular consequence: intron variant.
Genome position (GRCh38, 1-based): chrX:119,851,635, C>T on the plus strand (G>A on the coding strand, the complement: UPF3B is on the minus strand). VCF-style: chrX-119851635-C-T. GRCh37 (hg19) VCF-style: chrX-118985598-C-T.
Other names: NC_000023.10:g.118985598C>T; c.264-34G>A (NM_023010.4).
Identifiers: ClinVar variation 670475 (VCV000670475.4), dbSNP rs2428212, ClinGen allele CA10503347.

ClinVar aggregate classification (germline): Benign. Review status: criteria provided, multiple submitters, no conflicts (2 of 4 stars). 3 submissions from 3 submitters: Benign (3). Last evaluated 2021-12-05.

Conditions:
Intellectual developmental disorder, X-linked, syndromic 14. Also called: Syndromic X-linked intellectual disability 14. Identifiers: Orphanet 776, MedGen C1970822, MONDO:0010398, OMIM 300676.

Allele frequency attached by ClinVar (database versions not stated): 1000 Genomes Project 0.79285; ESP Exome Variant Server 0.67206; gnomAD 0.66050; ExAC 0.67059; TOPMed 0.71995; 1000 Genomes Project 30x 0.79480; gnomAD exomes 0.65767.

Submissions (5):

Genome-Nilou Lab
Classification: Benign for Intellectual developmental disorder, X-linked, syndromic 14. Last evaluated: 2021-12-05. Review status: criteria provided, single submitter. Criteria: ACMG Guidelines, 2015. Collection method: clinical testing. Allele origin: germline. Affected: no.

GeneDx
Classification: Benign. Last evaluated: 2018-06-14. Review status: criteria provided, single submitter. Criteria: GeneDx Variant Classification (06012015). Collection method: clinical testing. Allele origin: germline. Affected: yes.
Comment: This variant is considered likely benign or benign based on one or more of the following criteria: it is a conservative change, it occurs at a poorly conserved position in the protein, it is predicted to be benign by multiple in silico algorithms, and/or has population frequency not consistent with disease.

Breakthrough Genomics
Classification: Benign. Review status: criteria provided, single submitter. Criteria: ACMG Guidelines, 2015. Collection method: not provided. Allele origin: germline. Inheritance: X-linked inheritance. Affected: yes.

Dr. Peter K. Rogan Lab, Western University
No classification provided (evidence only). Condition: Hepatocellular carcinoma. Review status: no classification provided. Collection method: in vitro. Allele origin: not applicable. Functional consequence: retained intron. Not counted in ClinVar's aggregate classification.

Dr. Peter K. Rogan Lab, Western University
No classification provided (evidence only). Condition: Germ cell tumor of testis. Review status: no classification provided. Collection method: in vitro. Allele origin: not applicable. Functional consequence: skipped exon. Not counted in ClinVar's aggregate classification.